The following is an entry in ClinVar:

NM_002880.4(RAF1):c.1770G>C (p.Lys590Asn)

Gene: RAF1 (Raf-1 proto-oncogene, serine/threonine kinase; minus strand). Cytogenetic location: 3p25.2.
Variant type: single nucleotide variant.
Coding change: c.1770G>C on transcript NM_002880.4 (MANE Select); coding-DNA position 1770, G replaced by C.
Protein change: p.Lys590Asn; replaces lysine 590 with asparagine.
Molecular consequence: missense variant. On other transcripts: non-coding transcript variant (3).
Genome position (GRCh38, 1-based): chr3:12,584,880, C>G on the plus strand (G>C on the coding strand, the complement: RAF1 is on the minus strand). VCF-style: chr3-12584880-C-G. GRCh37 (hg19) VCF-style: chr3-12626379-C-G.
Other names: c.1830G>C, p.Lys610Asn (NM_001354689.3); c.1770G>C, p.Lys590Asn (NM_001354690.3); c.1527G>C, p.Lys509Asn (NM_001354691.3, NM_001354692.3); c.1671G>C, p.Lys557Asn (NM_001354693.3); c.1587G>C, p.Lys529Asn (NM_001354694.3); c.1428G>C, p.Lys476Asn (NM_001354695.3); short protein forms K590N, K610N, K476N, K557N, K509N, K529N.
Identifiers: ClinVar variation 517341 (VCV000517341.14), dbSNP rs773583951, ClinGen allele CA2259421.

ClinVar aggregate classification (germline): Uncertain significance. Review status: criteria provided, multiple submitters, no conflicts (2 of 4 stars). 6 submissions from 6 submitters: Uncertain significance (4). 2 of the submissions do not count toward it. Last evaluated 2025-07-21.

Conditions:
Noonan syndrome 5 (NS5). Also called: RAF1-Related Noonan Syndrome. Identifiers: Orphanet 648, MedGen C1969057, MONDO:0012690, OMIM 611553. Disease mechanism: gain of function.
Dilated cardiomyopathy 1NN. Identifiers: Orphanet 154, MedGen C4014656, MONDO:0014396, OMIM 615916.
LEOPARD syndrome 2 (LPRD2). Also called: RAF1-Related LEOPARD Syndrome. Identifiers: Orphanet 500, MedGen C1969056, MONDO:0012691, OMIM 611554.
RAF1-related disorder. Also called: RAF1-related condition; RAF1-related disorders.
RASopathy. Also called: Noonan spectrum disorder; rasopathies. Identifiers: Orphanet 536391, MedGen C5555857, MONDO:0021060.

Allele frequency attached by ClinVar (database versions not stated): gnomAD exomes below 0.00001; ExAC 0.00001; TOPMed 0.00001.

Submissions (6):

PreventionGenetics, part of Exact Sciences
Classification: Uncertain significance for RAF1-related condition. Last evaluated: 2025-07-21. Review status: criteria provided, single submitter. Criteria: ACMG Guidelines, 2015. Collection method: clinical testing. Allele origin: germline.
Comment: The RAF1 c.1770G>C variant is predicted to result in the amino acid substitution p.Lys590Asn. To our knowledge, this variant has not been reported in the literature. This variant is reported in 0.00088% of alleles in individuals of European (Non-Finnish) descent in gnomAD. At this time, the clinical significance of this variant is uncertain due to the absence of conclusive functional and genetic evidence.

Labcorp Genetics (formerly Invitae), Labcorp
Classification: Uncertain significance for RASopathy. Last evaluated: 2025-07-06. Review status: criteria provided, single submitter. Criteria: Invitae Variant Classification Sherloc (09022015). Collection method: clinical testing. Allele origin: germline.
Comment: This sequence change replaces lysine, which is basic and polar, with asparagine, which is neutral and polar, at codon 590 of the RAF1 protein (p.Lys590Asn). This variant is present in population databases (rs773583951, gnomAD 0.0009%). This variant has not been reported in the literature in individuals affected with RAF1-related conditions. ClinVar contains an entry for this variant (Variation ID: 517341). Invitae Evidence Modeling of protein sequence and biophysical properties (such as structural, functional, and spatial information, amino acid conservation, physicochemical variation, residue mobility, and thermodynamic stability) indicates that this missense variant is expected to disrupt RAF1 protein function with a positive predictive value of 95%. In summary, the available evidence is currently insufficient to determine the role of this variant in disease. Therefore, it has been classified as a Variant of Uncertain Significance.

Fulgent Genetics
Classification: Uncertain significance for Noonan syndrome 5; LEOPARD syndrome 2; Dilated cardiomyopathy 1NN. Last evaluated: 2021-09-01. Review status: criteria provided, single submitter. Criteria: ACMG Guidelines, 2015. Collection method: clinical testing. Allele origin: unknown.

Laboratory for Molecular Medicine, Mass General Brigham Personalized Medicine
Classification: Uncertain significance. Last evaluated: 2017-03-28. Review status: criteria provided, single submitter. Criteria: LMM Criteria. Collection method: clinical testing. Allele origin: germline. Observed: 2 variant alleles.
Comment: The p.Lys590Asn variant in RAF1 has not been previously reported in individuals with a Rasopathy, but has been identified in 1/66734 European chromosomes by the Exome Aggregation Consortium (ExAC; dbSNP rs773 583951). Computational prediction tools and conservation analysis do not provide strong support for or against an impact to the protein. In summary, the clinica l significance of the p.Lys590Asn variant is uncertain.

Genome Diagnostics Laboratory, Amsterdam University Medical Center
Classification: Uncertain significance. Review status: no assertion criteria provided. Collection method: clinical testing. Allele origin: germline. Affected: yes. Study: VKGL Data-share Consensus. Not counted in ClinVar's aggregate classification.

Joint Genome Diagnostic Labs from Nijmegen and Maastricht, Radboudumc and MUMC+
Classification: Uncertain significance. Review status: no assertion criteria provided. Collection method: clinical testing. Allele origin: germline. Affected: yes. Study: VKGL Data-share Consensus. Not counted in ClinVar's aggregate classification.